The following is an entry in ClinVar:

ClinVar aggregate classification (germline): Likely benign (1 of 4 stars; one submission).

gnomAD v4.1: 6 of 1,589,318 alleles (0.00038%); highest among the groups gnomAD compares: Non-Finnish European, 0.00052%; no homozygotes.

Submission:

Mayo Clinic Laboratories, Mayo Clinic
Classification: Likely benign. Last evaluated: 2025-04-08. Review status: criteria provided, single submitter. Criteria: ACMG Guidelines, 2015. Collection method: clinical testing. Allele origin: germline. Observed: 1 variant allele.
Comment: BP4, BP7

NM_018319.4(TDP1):c.1542-6C>T

Gene: TDP1 (tyrosyl-DNA phosphodiesterase 1; plus strand). Cytogenetic location: 14q32.11.
Variant type: single nucleotide variant.
Coding change: c.1542-6C>T on transcript NM_018319.4 (MANE Select); 6 bases into the intron before coding-DNA position 1542, C replaced by T.
Molecular consequence: intron variant.
Genome position (GRCh38, 1-based): chr14:90,019,310, C>T. VCF-style: chr14-90019310-C-T. GRCh37 (hg19) VCF-style: chr14-90485654-C-T.
Other names: p.?; c.1542-6C>T (NM_001330205.2, NM_001008744.2).
Identifiers: ClinVar variation 4683921 (VCV004683921.1).
Genomic context (GRCh38, chr14:90,019,310, plus strand): 5'-GTGGAAGTTTGACCCACACTGAGATGCCTCCCTGAGTCAGCCCTATCTGTGTCCTTGTCT[C>T]TGCAGCGCAAATCTGTCCAAGGCTGCCTGGGGAGCATTGGAGAAGAATGGCACCCAGCTG-3'